The following is an entry in ClinVar:

ClinVar aggregate classification (germline): Conflicting classifications of pathogenicity. Review status: criteria provided, conflicting classifications (1 of 4 stars). 3 submissions from 3 submitters: Uncertain significance (2); Benign (1). Last evaluated 2026-02-02.

Conditions:
Primary ciliary dyskinesia. Also called: Ciliary dyskinesia. Identifiers: Orphanet 244, MedGen C0008780, MONDO:0016575, HP:0012265.

Allele frequency attached by ClinVar (database versions not stated): ExAC 0.00001; gnomAD 0.00003; TOPMed 0.00005; ESP Exome Variant Server 0.00008; gnomAD exomes 0.00008.
gnomAD v4.1: 121 of 1,610,934 alleles (0.0075%); highest among the groups gnomAD compares: Non-Finnish European, 0.0094%; no homozygotes.

Submissions (3):

GeneDx
Classification: Uncertain significance. Last evaluated: 2026-02-02. Review status: criteria provided, single submitter. Criteria: GeneDx Variant Classification Process June 2021. Collection method: clinical testing. Allele origin: germline.
Comment: In silico analysis supports that this missense variant has a deleterious effect on protein structure/function; Has not been previously published as pathogenic or benign to our knowledge

Labcorp Genetics (formerly Invitae), Labcorp
Classification: Benign for Primary ciliary dyskinesia. Last evaluated: 2025-11-11. Review status: criteria provided, single submitter. Criteria: Invitae Variant Classification Sherloc (09022015). Collection method: clinical testing. Allele origin: germline.

Ambry Genetics
Classification: Uncertain significance for Primary ciliary dyskinesia. Last evaluated: 2025-06-15. Review status: criteria provided, single submitter. Criteria: Ambry Variant Classification Scheme 2023. Collection method: clinical testing. Allele origin: germline.
Comment: The p.N1930S variant (also known as c.5789A>G), located in coding exon 34 of the DNAH11 gene, results from an A to G substitution at nucleotide position 5789. The asparagine at codon 1930 is replaced by serine, an amino acid with highly similar properties. This amino acid position is conserved. In addition, this alteration is predicted to be tolerated by in silico analysis. Based on the available evidence, the clinical significance of this variant remains unclear.

NM_001277115.2(DNAH11):c.5789A>G (p.Asn1930Ser)

Gene: DNAH11 (dynein axonemal heavy chain 11; plus strand). Cytogenetic location: 7p15.3.
Variant type: single nucleotide variant.
Coding change: c.5789A>G on transcript NM_001277115.2 (MANE Select); coding-DNA position 5789, A replaced by G.
Protein change: p.Asn1930Ser; replaces asparagine 1930 with serine.
Molecular consequence: missense variant.
Genome position (GRCh38, 1-based): chr7:21,687,392, A>G. VCF-style: chr7-21687392-A-G. GRCh37 (hg19) VCF-style: chr7-21727010-A-G.
Other names: c.5789A>G (NM_001277115.1); c.5810A>G, p.Asn1937Ser (NM_003777.3); short protein forms N1937S, N1930S.
Identifiers: ClinVar variation 2053142 (VCV002053142.7), dbSNP rs368502112, ClinGen allele CA4180562.